The following is an entry in ClinVar:

ClinVar aggregate classification (germline): Conflicting classifications of pathogenicity. Review status: criteria provided, conflicting classifications (1 of 4 stars). 3 submissions from 3 submitters: Uncertain significance (2); Likely benign (1). Last evaluated 2026-02-17.

Conditions:
Hereditary cancer-predisposing syndrome. Also called: Tumor predisposition; Neoplastic Syndromes, Hereditary; Hereditary Cancer Syndrome; Hereditary neoplastic syndrome. Identifiers: Orphanet 140162, MedGen C0027672, MeSH D009386, MONDO:0015356.
Hereditary breast ovarian cancer syndrome. Also called: Hereditary breast and ovarian cancer syndrome (HBOC); BRCA1- and BRCA2-Associated Hereditary Breast and Ovarian Cancer; Hereditary breast and ovarian cancer; Hereditary breast and/or ovarian cancer syndrome; Breast and ovarian cancer; Hereditary breast and ovarian cancer syndrome. Identifiers: Orphanet 145, MedGen C0677776, MeSH D061325, MONDO:0003582. Disease mechanism: loss of function.

Submissions (3):

Ambry Genetics
Classification: Uncertain significance for Hereditary cancer-predisposing syndrome. Last evaluated: 2026-02-17. Review status: criteria provided, single submitter. Criteria: Ambry Variant Classification Scheme 2023. Collection method: clinical testing. Allele origin: germline.
Comment: The p.N874D variant (also known as c.2620A>G), located in coding exon 9 of the BRCA1 gene, results from an A to G substitution at nucleotide position 2620. The asparagine at codon 874 is replaced by aspartic acid, an amino acid with highly similar properties. This amino acid position is not well conserved in available vertebrate species. In addition, this alteration is predicted to be tolerated by in silico analysis. Based on the available evidence, the clinical significance of this variant remains unclear.

University of Washington Department of Laboratory Medicine, University of Washington
Classification: Likely benign for Hereditary cancer-predisposing syndrome. Last evaluated: 2023-03-23. Review status: criteria provided, single submitter. Criteria: Dines et al. (Genet Med. 2020). Collection method: curation. Allele origin: germline.
Comment: Missense variant in a coldspot region where missense variants are very unlikely to be pathogenic (PMID:31911673).

BRCA1 coldspot (exon 11 using historical exon numbering). Reclassification based on statistical prior probability

Labcorp Genetics (formerly Invitae), Labcorp
Classification: Uncertain significance for Hereditary breast ovarian cancer syndrome. Last evaluated: 2021-10-15. Review status: criteria provided, single submitter. Criteria: Invitae Variant Classification Sherloc (09022015). Collection method: clinical testing. Allele origin: germline.
Comment: This sequence change replaces asparagine with aspartic acid at codon 874 of the BRCA1 protein (p.Asn874Asp). The asparagine residue is weakly conserved and there is a small physicochemical difference between asparagine and aspartic acid. This variant is not present in population databases (ExAC no frequency). This variant has not been reported in the literature in individuals affected with BRCA1-related conditions. ClinVar contains an entry for this variant (Variation ID: 821584). Advanced modeling of protein sequence and biophysical properties (such as structural, functional, and spatial information, amino acid conservation, physicochemical variation, residue mobility, and thermodynamic stability) performed at Invitae indicates that this missense variant is not expected to disrupt BRCA1 protein function. Algorithms developed to predict the effect of sequence changes on RNA splicing suggest that this variant may create or strengthen a splice site. In summary, the available evidence is currently insufficient to determine the role of this variant in disease. Therefore, it has been classified as a Variant of Uncertain Significance.

NM_007294.4(BRCA1):c.2620A>G (p.Asn874Asp)

Gene: BRCA1 (BRCA1 DNA repair associated; minus strand). Cytogenetic location: 17q21.31.
Variant type: single nucleotide variant.
Coding change: c.2620A>G on transcript NM_007294.4 (MANE Select); coding-DNA position 2620, A replaced by G.
Protein change: p.Asn874Asp; replaces asparagine 874 with aspartic acid.
Molecular consequence: missense variant. On other transcripts: intron variant (137).
Genome position (GRCh38, 1-based): chr17:43,092,911, T>C on the plus strand (A>G on the coding strand, the complement: BRCA1 is on the minus strand). VCF-style: chr17-43092911-T-C. GRCh37 (hg19) VCF-style: chr17-41244928-T-C.
Other names: c.2407A>G, p.Asn803Asp (NM_001407571.1, NM_001407915.1, NM_001407916.1 and 9 more transcripts); c.2620A>G, p.Asn874Asp (NM_001407581.1, NM_001407582.1, NM_001407583.1 and 30 more transcripts); c.2617A>G, p.Asn873Asp (NM_001407587.1, NM_001407590.1, NM_001407591.1 and 22 more transcripts); c.2542A>G, p.Asn848Asp (NM_001407653.1, NM_001407654.1, NM_001407655.1 and 4 more transcripts); c.2539A>G, p.Asn847Asp (NM_001407659.1, NM_001407660.1, NM_001407661.1 and 1 more transcripts); c.2494A>G, p.Asn832Asp (NM_001407672.1, NM_001407673.1, NM_001407691.1 and 11 more transcripts); c.2497A>G, p.Asn833Asp (NM_001407674.1, NM_001407675.1, NM_001407676.1 and 19 more transcripts); c.2479A>G, p.Asn827Asp (NM_001407692.1, NM_001407694.1, NM_001407695.1 and 29 more transcripts); and 41 more; short protein forms N827D, N874D, N746D, N803D, N832D, N847D, N762D, N804D.
Identifiers: ClinVar variation 821584 (VCV000821584.14), dbSNP rs1064795862, ClinGen allele CA10596756.